The following is an entry in ClinVar:

NM_019594.4(LRRC8A):c.1498A>G (p.Ile500Val)

Gene: LRRC8A (leucine rich repeat containing 8 VRAC subunit A; plus strand). Cytogenetic location: 9q34.11.
Variant type: single nucleotide variant.
Coding change: c.1498A>G on transcript NM_019594.4 (MANE Select); coding-DNA position 1498, A replaced by G.
Protein change: p.Ile500Val; replaces isoleucine 500 with valine.
Molecular consequence: missense variant.
Genome position (GRCh38, 1-based): chr9:128,908,662, A>G. VCF-style: chr9-128908662-A-G. GRCh37 (hg19) VCF-style: chr9-131670941-A-G.
Other names: c.1498A>G, p.Ile500Val (NM_001127244.2, NM_001127245.2); short protein forms I500V.
Identifiers: ClinVar variation 1499846 (VCV001499846.8), dbSNP rs754675539, ClinGen allele CA375081808.

ClinVar aggregate classification (germline): Uncertain significance (1 of 4 stars; one submission).

gnomAD v4.1: 1 of 1,612,770 alleles (0.000062%); highest among the groups gnomAD compares: Admixed American, 0.0017%; no homozygotes.

Submission:

Labcorp Genetics (formerly Invitae), Labcorp
Classification: Uncertain significance. Last evaluated: 2021-01-02. Review status: criteria provided, single submitter. Criteria: Invitae Variant Classification Sherloc (09022015). Collection method: clinical testing. Allele origin: germline.
Comment: In summary, the available evidence is currently insufficient to determine the role of this variant in disease. Therefore, it has been classified as a Variant of Uncertain Significance. Algorithms developed to predict the effect of missense changes on protein structure and function (SIFT, PolyPhen-2, Align-GVGD) all suggest that this variant is likely to be tolerated, but these predictions have not been confirmed by published functional studies and their clinical significance is uncertain. This variant has not been reported in the literature in individuals with LRRC8A-related conditions. This variant is not present in population databases (ExAC no frequency). This sequence change replaces isoleucine with valine at codon 500 of the LRRC8A protein (p.Ile500Val). The isoleucine residue is highly conserved and there is a small physicochemical difference between isoleucine and valine.